The following is an entry in ClinVar:

NM_004239.4(TRIP11):c.2758G>A (p.Glu920Lys)

Gene: TRIP11 (thyroid hormone receptor interactor 11; minus strand). Cytogenetic location: 14q32.12.
Variant type: single nucleotide variant.
Coding change: c.2758G>A on transcript NM_004239.4 (MANE Select); coding-DNA position 2758, G replaced by A.
Protein change: p.Glu920Lys; replaces glutamic acid 920 with lysine.
Molecular consequence: missense variant.
Genome position (GRCh38, 1-based): chr14:92,005,218, C>T on the plus strand (G>A on the coding strand, the complement: TRIP11 is on the minus strand). VCF-style: chr14-92005218-C-T. GRCh37 (hg19) VCF-style: chr14-92471562-C-T.
Other names: c.2755G>A, p.Glu919Lys (NM_001321851.1); short protein forms E919K, E920K.
Identifiers: ClinVar variation 2117022 (VCV002117022.4), dbSNP rs1194229886, ClinGen allele CA390656054.
Genomic context (GRCh38, chr14:92,005,218, plus strand): 5'-TTTCCTTCTTTTGCTCTTGTAAAGACTGAAGTAGTTGCATCTTACTCTGGTTTTGATCTT[C>T]AATTATCTTTTGATGATGTTTAATTTCCTCTTCAAGATGTTCCTTGATCGTGTTCAGTTG-3'
Protein context (NP_004230.2, residues 910-930): EEIKHHQKII[Glu920Lys]DQNQSKMQLL

ClinVar aggregate classification (germline): Uncertain significance (1 of 4 stars; one submission).

Conditions:
Achondrogenesis, type IA (ACG1A). Identifiers: Orphanet 932, Orphanet 93299, MedGen C0265273, MONDO:0008701, OMIM 200600.

Allele frequency attached by ClinVar (database versions not stated): gnomAD 0.00001; TOPMed 0.00002.
gnomAD v4.1: 1 of 1,614,024 alleles (0.000062%); highest among the groups gnomAD compares: Non-Finnish European, 0.000085%; no homozygotes.

Submission:

Labcorp Genetics (formerly Invitae), Labcorp
Classification: Uncertain significance for Achondrogenesis, type IA. Last evaluated: 2022-03-26. Review status: criteria provided, single submitter. Criteria: Invitae Variant Classification Sherloc (09022015). Collection method: clinical testing. Allele origin: germline.
Comment: In summary, the available evidence is currently insufficient to determine the role of this variant in disease. Therefore, it has been classified as a Variant of Uncertain Significance. Algorithms developed to predict the effect of missense changes on protein structure and function are either unavailable or do not agree on the potential impact of this missense change (SIFT: "Not Available"; PolyPhen-2: "Possibly Damaging"; Align-GVGD: "Not Available"). This variant has not been reported in the literature in individuals affected with TRIP11-related conditions. This variant is not present in population databases (gnomAD no frequency). This sequence change replaces glutamic acid, which is acidic and polar, with lysine, which is basic and polar, at codon 920 of the TRIP11 protein (p.Glu920Lys).